The following is an entry in ClinVar:

NM_001379200.1(TBX1):c.1151G>A (p.Gly384Glu)

Gene: TBX1 (T-box transcription factor 1; plus strand). Cytogenetic location: 22q11.21.
Variant type: single nucleotide variant.
Coding change: c.1151G>A on transcript NM_001379200.1 (MANE Select); coding-DNA position 1151, G replaced by A.
Protein change: p.Gly384Glu; replaces glycine 384 with glutamic acid.
Molecular consequence: missense variant. On other transcripts: intron variant (2).
Genome position (GRCh38, 1-based): chr22:19,766,503, G>A. VCF-style: chr22-19766503-G-A. GRCh37 (hg19) VCF-style: chr22-19754026-G-A.
Other names: c.1124G>A, p.Gly375Glu (NM_080647.1); c.1009+501G>A (NM_005992.1, NM_080646.2); short protein forms G375E, G384E.
Identifiers: ClinVar variation 4865330 (VCV004865330.1).

ClinVar aggregate classification (germline): Uncertain significance (1 of 4 stars; one submission).

Conditions:
Cardiovascular phenotype. Identifiers: MedGen CN230736.

gnomAD v4.1: 3 of 1,311,760 alleles (0.00023%); highest among the groups gnomAD compares: Non-Finnish European, 0.00029%; no homozygotes.

Submission:

Ambry Genetics
Classification: Uncertain significance for Cardiovascular phenotype. Last evaluated: 2026-03-21. Review status: criteria provided, single submitter. Criteria: Ambry Variant Classification Scheme 2023. Collection method: clinical testing. Allele origin: germline.
Comment: The p.G375E variant (also known as c.1124G>A), located in coding exon 8 of the TBX1 gene, results from a G to A substitution at nucleotide position 1124. The glycine at codon 375 is replaced by glutamic acid, an amino acid with similar properties. This amino acid position is conserved. In addition, this alteration is predicted to be tolerated by in silico analysis. Based on the available evidence, the clinical significance of this variant remains unclear.